The following is an entry in ClinVar:

ClinVar aggregate classification (germline): Pathogenic/Likely pathogenic. Review status: criteria provided, multiple submitters, no conflicts (2 of 4 stars). 17 submissions from 16 submitters: Pathogenic (15); Likely pathogenic (1). 1 of the submissions does not count toward it. Last evaluated 2026-02-01.

Conditions:
G6PD-related disorders.
Malaria, susceptibility to. Identifiers: Orphanet 673, MedGen C1970028, MONDO:0021024, OMIM 611162.
Anemia, nonspherocytic hemolytic, due to G6PD deficiency (CNSHA1). Also called: Class I glucose-6-phosphate dehydrogenase deficiency; ANEMIA, CONGENITAL, NONSPHEROCYTIC HEMOLYTIC, 1; Hemolytic anemia due to G6PD deficiency; Favism, susceptibility to. Identifiers: Orphanet 466026, MedGen C2720289, MONDO:0010480, OMIM 300908.
Inborn genetic diseases. Identifiers: MedGen C0950123, MeSH D030342.
Hypercholesterolemia, familial, 1. Also called: HYPERCHOLESTEROLEMIA, FAMILIAL, MODIFIER OF; LDL RECEPTOR DISORDER; Hyperlipoproteinemia Type IIa; HYPER-LOW-DENSITY-LIPOPROTEINEMIA; HYPERCHOLESTEROLEMIC XANTHOMATOSIS, FAMILIAL; Fredrickson type IIa hyperlipoproteinemia. Identifiers: Orphanet 391665, MedGen C0745103, MONDO:0007750, OMIM 143890.
G6PD deficiency. Also called: G6PD A-. Identifiers: MedGen C2939465, MONDO:0005775.
G6PD GAOHE.
Early-onset coronary artery disease. Identifiers: MedGen C4229399.

Allele frequency attached by ClinVar (database versions not stated): gnomAD exomes 0.00003 and 0.00015; TOPMed 0.00009; gnomAD 0.00008 and 0.00007; ExAC 0.00014.
gnomAD v4.1: 37 of 1,209,146 alleles (0.0031%); highest among the groups gnomAD compares: East Asian, 0.1%; no homozygotes.

Submissions 1 to 11 of 17:

Department of Otolaryngology Head and Neck Surgery, Hainan Hospital of the Chinese People’s Liberation Army General Hospital
Classification: Pathogenic for Anemia, nonspherocytic hemolytic, due to G6PD deficiency. Last evaluated: 2026-02-01. Review status: criteria provided, single submitter. Criteria: ACMG Guidelines, 2015. Collection method: clinical testing. Allele origin: germline. Affected: yes.
Comment: This variant is a single nucleotide substitution in the G6PD gene (NM_001360016.2:c.95A>G, p.His32Arg), commonly known as the G6PD Gaohe mutation. This missense change results in a histidine-to-arginine substitution at codon 32 of the glucose-6-phosphate dehydrogenase enzyme. G6PD Gaohe is one of the six most prevalent G6PD deficiency mutations in the Chinese population, consistently identified as a hotspot mutation alongside c.1376G>T, c.1388G>A, c.871G>A, c.392G>T, and c.1024C>T. Large population-based studies have shown that these six hotspot mutations account for approximately 94% to 98% of G6PD-deficient alleles in Southern Chinese populations. This variant is classified as a Class II mutation by the WHO, associated with a severe decrease in enzyme activity. Population studies have demonstrated that c.95A>G is a risk factor for G6PD deficiency, with significant associations identified in both dominant and recessive genetic models. Individuals hemizygous for this mutation typically present with clinical manifestations including neonatal jaundice and acute hemolytic anemia, often triggered by oxidative stress from drugs, infections, or fava beans consumption. The classification of this variant as pathogenic is based on its well-established role in reducing G6PD enzyme activity and its clinical significance in causing G6PD deficiency, leading to the characteristic hematological features of this X-linked disorder.

Labcorp Genetics (formerly Invitae), Labcorp
Classification: Pathogenic for Anemia, nonspherocytic hemolytic, due to G6PD deficiency. Last evaluated: 2025-12-22. Review status: criteria provided, single submitter. Criteria: Invitae Variant Classification Sherloc (09022015). Collection method: clinical testing. Allele origin: germline.
Comment: This sequence change replaces histidine, which is basic and polar, with arginine, which is basic and polar, at codon 32 of the G6PD protein (p.His32Arg). This variant is present in population databases (rs137852340, gnomAD 0.2%), and has an allele count higher than expected for a pathogenic variant. This missense change has been observed in individual(s) with G6PD deficiency (PMID: 10502785, 11601226, 16329560, 29339739, 30315739). It is commonly reported in individuals of Asian ancestry (PMID: 29339739). This variant is also known as G6PD Gaohe. ClinVar contains an entry for this variant (Variation ID: 10403). Invitae Evidence Modeling of protein sequence and biophysical properties (such as structural, functional, and spatial information, amino acid conservation, physicochemical variation, residue mobility, and thermodynamic stability) indicates that this missense variant is expected to disrupt G6PD protein function with a positive predictive value of 95%. For these reasons, this variant has been classified as Pathogenic.

Medical and Scientific Branch, Hong Kong Genome Institute
Classification: Pathogenic for Hypercholesterolemia, familial, 1. Last evaluated: 2025-12-11. Review status: criteria provided, single submitter. Criteria: ACMG Guidelines, 2015. Collection method: clinical testing. Allele origin: germline. Affected: yes.

Variantyx, Inc.
Classification: Likely pathogenic for Anemia, nonspherocytic hemolytic, due to G6PD deficiency. Last evaluated: 2025-08-26. Review status: criteria provided, single submitter. Criteria: Variantyx Assertion Criteria 2022. Collection method: clinical testing. Allele origin: maternal. Inheritance: X-linked inheritance.
Comment: This is a nonsynonymous variant in the G6PD gene (OMIM: 305900). Pathogenic variants in this gene have been associated with X-linked hemolytic anemia due to G6PD deficiency (favism). This is a founder variant, which has been reported in multiple individuals with G6PD deficiency (PMID: 36704359, 31793705, 32602432, 33051526, 29339739) (PS4), and has a 0.1036% maximum allele frequency in non-founder control populations. Functional studies have shown that this variant alters G6PD protein function (PMID: 29339739) (PS3), and multiple computational algorithms predict a deleterious effect (REVEL score: 0.78) (PP3). Based on the current evidence, this variant is classified as likely pathogenic for X-linked hemolytic anemia due to G6PD deficiency (favism).

GeneDx
Classification: Pathogenic. Last evaluated: 2025-08-18. Review status: criteria provided, single submitter. Criteria: GeneDx Variant Classification Process June 2021. Collection method: clinical testing. Allele origin: germline.
Comment: The H32R variant in the G6PD gene, also known as H27R and the Gaohe variant, has been reported as a common G6PD deficiency variant in China (PMID: 36681081, 29339739, 34659341); In silico analysis supports that this missense variant has a deleterious effect on protein structure/function; This variant is associated with the following publications: (PMID: 29783823, 32552971, 33072997, 33240318, 37967096, 36212142, 34953813, 29251006, 35193651, 28902532, 28376293, 35313968, 1945893, 36681081, 34659341, 29339739, 38264207, 39076173)

Revvity Omics, Revvity
Classification: Pathogenic for Anemia, nonspherocytic hemolytic, due to G6PD deficiency. Last evaluated: 2024-12-20. Review status: criteria provided, single submitter. Criteria: ACMG Guidelines, 2015. Collection method: clinical testing. Allele origin: germline.

Baylor Genetics
Classification: Pathogenic for Malaria, susceptibility to. Last evaluated: 2024-03-24. Review status: criteria provided, single submitter. Criteria: ACMG Guidelines, 2015. Collection method: clinical testing. Allele origin: unknown.

Fulgent Genetics
Classification: Pathogenic for Anemia, nonspherocytic hemolytic, due to G6PD deficiency; Malaria, susceptibility to. Last evaluated: 2024-03-13. Review status: criteria provided, single submitter. Criteria: ACMG Guidelines, 2015. Collection method: clinical testing. Allele origin: germline.

Women's Health and Genetics/Laboratory Corporation of America, LabCorp
Classification: Pathogenic for G6PD deficiency. Last evaluated: 2024-03-08. Review status: criteria provided, single submitter. Criteria: LabCorp Variant Classification Summary - May 2015. Collection method: clinical testing. Allele origin: germline.
Comment: Variant summary: G6PD c.185A>G (p.His62Arg) [NM_001035810.1:c.95A>G (p.His32Arg)], also referred to as G6PD Gaohe/Gaozhou/Sapporo-like/Ube/Bodia-like, results in a non-conservative amino acid change located in the Glucose-6-phosphate dehydrogenase, NAD-binding domain (IPR022674) of the encoded protein sequence. Four of five in-silico tools predict a damaging effect of the variant on protein function. The variant allele was found at a frequency of 0.00015 in 182995 control chromosomes predominantly in the East Asian population. This frequency is not significantly higher than estimated for a pathogenic variant in G6PD causing Glucose 6 Phosphate Dehydrogenase Deficiency (0.00015 vs 0.29), allowing no conclusion about variant significance. c.185A>G has been reported in the literature in multiple individuals affected with Glucose 6 Phosphate Dehydrogenase Deficiency and as a G6PD hotspot mutation in the Chinese population (example, Ainoon_1999, Fu_2018, Sun_2022). At least one publication reports experimental evidence evaluating an impact on protein function. The most pronounced variant effect results in <10% of normal G6PD enzyme activity (Ainoon_1999). The following publications have been ascertained in the context of this evaluation (PMID: 10502785, 29339739, 16607506, 36353116). ClinVar contains an entry for this variant (Variation ID: 10403). Based on the evidence outlined above, the variant was classified as pathogenic.

Women's Health and Genetics/Laboratory Corporation of America, LabCorp
Classification: Pathogenic for Early-onset coronary artery disease. Last evaluated: 2024-03-08. Review status: criteria provided, single submitter. Criteria: LabCorp Variant Classification Summary - May 2015. Collection method: clinical testing. Allele origin: germline.

Blueprint Genetics
Classification: Pathogenic for G6PD-related disorders. Last evaluated: 2023-03-31. Review status: criteria provided, single submitter. Criteria: ACMG Guidelines, 2015. Collection method: clinical testing. Allele origin: germline. Affected: yes. Observed: 4 variant alleles.

NM_000402.4(G6PD):c.185A>G (p.His62Arg)

Genes: G6PD (glucose-6-phosphate dehydrogenase; minus strand), IKBKG (inhibitor of nuclear factor kappa B kinase regulatory subunit gamma; plus strand). Cytogenetic location: Xq28.
Variant type: single nucleotide variant.
Coding change: c.185A>G on transcript NM_000402.4; coding-DNA position 185, A replaced by G.
Protein change: p.His62Arg; replaces histidine 62 with arginine.
Molecular consequence: missense variant. On other transcripts: intron variant (4).
Genome position (GRCh38, 1-based): chrX:154,546,061, T>C on the plus strand (A>G on the coding strand, the complement: G6PD is on the minus strand). VCF-style: chrX-154546061-T-C. GRCh37 (hg19) VCF-style: chrX-153774276-T-C.
Other names: G6PD, HIS32ARG; G6PD Gaohe; G6PD Gaozhou; c.95A>G, p.His32Arg (NM_001042351.3, NM_001360016.2); c.-16+4670T>C (NM_001377312.1, NM_001377313.1); c.189+3609T>C (NM_001099856.6); c.-16+3674T>C (NM_001321396.3); short protein forms H32R, H62R.
Identifiers: ClinVar variation 10403 (VCV000010403.40), dbSNP rs137852340, ClinGen allele CA121023.